The following is an entry in ClinVar:

NM_001844.5(COL2A1):c.2050-1G>T

Gene: COL2A1 (collagen type II alpha 1 chain; minus strand). Cytogenetic location: 12q13.11.
Variant type: single nucleotide variant.
Coding change: c.2050-1G>T on transcript NM_001844.5 (MANE Select); the canonical splice acceptor site of the intron before coding-DNA position 2050, G replaced by T.
Molecular consequence: splice acceptor variant.
Genome position (GRCh38, 1-based): chr12:47,983,138, C>A on the plus strand (G>T on the coding strand, the complement: COL2A1 is on the minus strand). VCF-style: chr12-47983138-C-A. GRCh37 (hg19) VCF-style: chr12-48376921-C-A.
Other names: c.1843-1G>T (NM_033150.3).
Identifiers: ClinVar variation 1419011 (VCV001419011.8), dbSNP rs2136552988, ClinGen allele CA384547694.

ClinVar aggregate classification (germline): Pathogenic (1 of 4 stars; one submission).

Allele frequency attached by ClinVar (database versions not stated): gnomAD exomes below 0.00001.
gnomAD v4.1: 1 of 1,613,524 alleles (0.000062%); no homozygotes.

Submission:

Labcorp Genetics (formerly Invitae), Labcorp
Classification: Pathogenic. Last evaluated: 2021-04-17. Review status: criteria provided, single submitter. Criteria: Invitae Variant Classification Sherloc (09022015). Collection method: clinical testing. Allele origin: germline.
Comment: For these reasons, this variant has been classified as Pathogenic. Algorithms developed to predict the effect of sequence changes on RNA splicing suggest that this variant may disrupt the consensus splice site, but this prediction has not been confirmed by published transcriptional studies. Disruption of this splice site has been observed in individual(s) with Stickler syndrome (PMID: 15895462). It has also been observed to segregate with disease in related individuals This variant is not present in population databases (ExAC no frequency). This sequence change affects an acceptor splice site in intron 31 of the COL2A1 gene. It is expected to disrupt RNA splicing. Variants that disrupt the donor or acceptor splice site typically lead to a loss of protein function (PMID: 16199547), and loss-of-function variants in COL2A1 are known to be pathogenic (PMID: 20179744).

Literature cited by the submitters: PubMed 15895462; PubMed 16199547; PubMed 20179744.